The following is an entry in ClinVar:

NM_003036.4(SKI):c.723C>A (p.Ser241Arg)

Gene: SKI (SKI proto-oncogene; plus strand). Cytogenetic location: 1p36.33.
Variant type: single nucleotide variant.
Coding change: c.723C>A on transcript NM_003036.4 (MANE Select); coding-DNA position 723, C replaced by A.
Protein change: p.Ser241Arg; replaces serine 241 with arginine.
Molecular consequence: missense variant.
Genome position (GRCh38, 1-based): chr1:2,229,489, C>A. VCF-style: chr1-2229489-C-A. GRCh37 (hg19) VCF-style: chr1-2160928-C-A.
Other names: short protein forms S241R.
Identifiers: ClinVar variation 2754640 (VCV002754640.3), dbSNP rs2100790799, ClinGen allele CA337954887.

ClinVar aggregate classification (germline): Uncertain significance (1 of 4 stars; one submission).

Conditions:
Shprintzen-Goldberg syndrome (SGS). Also called: Marfanoid disorder with craniosynostosis type 1; Marfanoid craniosynostosis syndrome; Shprintzen-Goldberg marfanoid syndrome; SHPRINTZEN-GOLDBERG CRANIOSYNOSTOSIS SYNDROME; CRANIOSYNOSTOSIS WITH ARACHNODACTYLY AND ABDOMINAL HERNIAS. Identifiers: Orphanet 2462, MedGen C1321551, MONDO:0008426, OMIM 182212.

Submission:

Labcorp Genetics (formerly Invitae), Labcorp
Classification: Uncertain significance for Shprintzen-Goldberg syndrome. Last evaluated: 2023-08-23. Review status: criteria provided, single submitter. Criteria: Invitae Variant Classification Sherloc (09022015). Collection method: clinical testing. Allele origin: germline.
Comment: In summary, the available evidence is currently insufficient to determine the role of this variant in disease. Therefore, it has been classified as a Variant of Uncertain Significance. Advanced modeling of protein sequence and biophysical properties (such as structural, functional, and spatial information, amino acid conservation, physicochemical variation, residue mobility, and thermodynamic stability) has been performed at Invitae for this missense variant, however the output from this modeling did not meet the statistical confidence thresholds required to predict the impact of this variant on SKI protein function. This variant has not been reported in the literature in individuals affected with SKI-related conditions. This variant is not present in population databases (gnomAD no frequency). This sequence change replaces serine, which is neutral and polar, with arginine, which is basic and polar, at codon 241 of the SKI protein (p.Ser241Arg).